The following is an entry in ClinVar:

ClinVar aggregate classification (germline): Pathogenic (1 of 4 stars; one submission).

Submission:

Labcorp Genetics (formerly Invitae), Labcorp
Classification: Pathogenic. Last evaluated: 2022-05-12. Review status: criteria provided, single submitter. Criteria: Invitae Variant Classification Sherloc (09022015). Collection method: clinical testing. Allele origin: germline.
Comment: For these reasons, this variant has been classified as Pathogenic. This variant has not been reported in the literature in individuals affected with MYO7A-related conditions. This variant is not present in population databases (gnomAD no frequency). This sequence change creates a premature translational stop signal (p.His92Thrfs*14) in the MYO7A gene. It is expected to result in an absent or disrupted protein product. Loss-of-function variants in MYO7A are known to be pathogenic (PMID: 8900236, 25404053).

Literature cited by the submitters: PubMed 8900236; PubMed 25404053.

NM_000260.4(MYO7A):c.274del (p.His92fs)

Gene: MYO7A (myosin VIIA; plus strand). Cytogenetic location: 11q13.5.
Variant type: Deletion.
Coding change: c.274del on transcript NM_000260.4 (MANE Select); coding-DNA position 274, one base deleted (C; older notation c.274delC).
Protein change: p.His92fs; shifts the reading frame from histidine 92.
Molecular consequence: frameshift variant.
Genome position (GRCh38, 1-based): chr11:77,147,939, C deleted; the last of 2 consecutive C bases (chr11:77,147,938-77,147,939); deleting either gives the same sequence. VCF-style (leftmost placement, unchanged base first): chr11-77147937-AC-A. GRCh37 (hg19) VCF-style: chr11-76858983-AC-A.
Other names: c.274del, p.His92fs (NM_001127180.2); c.241del, p.His81fs (NM_001369365.1); short protein forms H81fs, H92fs.
Identifiers: ClinVar variation 1993346 (VCV001993346.4), dbSNP rs2496578563, ClinGen allele CA2580084913.
Genomic context (GRCh38, chr11:77,147,937, plus strand): 5'-TCCGCCTGGGGGACCTCAACGAGGCGGGCATCTTGCGCAACCTGCTTATCCGCTACCGGG[AC>A]CACCTCATCTACGTGAGTGCCGCCCCGCCCGGTGCCCGTCCAGGCCCCCTCAGGCCCCGC-3'